The following is an entry in ClinVar:

NM_000059.4(BRCA2):c.443G>T (p.Cys148Phe)

Gene: BRCA2 (BRCA2 DNA repair associated; plus strand). Cytogenetic location: 13q13.1.
Variant type: single nucleotide variant.
Coding change: c.443G>T on transcript NM_000059.4 (MANE Select); coding-DNA position 443, G replaced by T.
Protein change: p.Cys148Phe; replaces cysteine 148 with phenylalanine.
Molecular consequence: missense variant.
Genome position (GRCh38, 1-based): chr13:32,326,118, G>T. VCF-style: chr13-32326118-G-T. GRCh37 (hg19) VCF-style: chr13-32900255-G-T.
Other names: short protein forms C148F.
Identifiers: ClinVar variation 970240 (VCV000970240.11), dbSNP rs1204909245, ClinGen allele CA387757061.

ClinVar aggregate classification (germline): Uncertain significance. Review status: criteria provided, multiple submitters, no conflicts (2 of 4 stars). 2 submissions from 2 submitters: Uncertain significance (2). Last evaluated 2025-04-22.

Conditions:
BRCA2-related cancer predisposition. Identifiers: MedGen CN377758, MONDO:0700269.
Hereditary breast ovarian cancer syndrome. Also called: BRCA1- and BRCA2-Associated Hereditary Breast and Ovarian Cancer; Hereditary breast and ovarian cancer; Hereditary breast and ovarian cancer syndrome; Hereditary breast and/or ovarian cancer syndrome; Hereditary breast and ovarian cancer syndrome (HBOC); Breast and ovarian cancer. Identifiers: Orphanet 145, MedGen C0677776, MeSH D061325, MONDO:0003582. Disease mechanism: loss of function.

Submissions (2):

Labcorp Genetics (formerly Invitae), Labcorp
Classification: Uncertain significance for Hereditary breast ovarian cancer syndrome. Last evaluated: 2025-04-22. Review status: criteria provided, single submitter. Criteria: Invitae Variant Classification Sherloc (09022015). Collection method: clinical testing. Allele origin: germline.
Comment: This sequence change replaces cysteine, which is neutral and slightly polar, with phenylalanine, which is neutral and non-polar, at codon 148 of the BRCA2 protein (p.Cys148Phe). This variant is not present in population databases (gnomAD no frequency). This variant has not been reported in the literature in individuals affected with BRCA2-related conditions. ClinVar contains an entry for this variant (Variation ID: 970240). Invitae Evidence Modeling of protein sequence and biophysical properties (such as structural, functional, and spatial information, amino acid conservation, physicochemical variation, residue mobility, and thermodynamic stability) indicates that this missense variant is not expected to disrupt BRCA2 protein function with a negative predictive value of 95%. In summary, the available evidence is currently insufficient to determine the role of this variant in disease. Therefore, it has been classified as a Variant of Uncertain Significance.

All of Us Research Program, National Institutes of Health
Classification: Uncertain significance for BRCA2-related cancer predisposition. Last evaluated: 2024-02-22. Review status: criteria provided, single submitter. Criteria: ACMG Guidelines, 2015. Collection method: clinical testing. Allele origin: germline. Inheritance: Autosomal dominant inheritance. Observed: 1 variant allele, 1 heterozygote.
Comment: This missense variant replaces cysteine with phenylalanine at codon 148 of the BRCA2 protein. Computational prediction suggests that this variant may not impact protein structure and function (internally defined REVEL score threshold <= 0.5, PMID: 27666373). To our knowledge, functional studies have not been reported for this variant. This variant has not been reported in individuals affected with BRCA2-related disorders in the literature. This variant has not been identified in the general population by the Genome Aggregation Database (gnomAD). The available evidence is insufficient to determine the role of this variant in disease conclusively. Therefore, this variant is classified as a Variant of Uncertain Significance.

This study involves interpretation of variants in research participants for the purpose of population health screening. Participant phenotype was not available at the time of variant classification. Additional details can be found in publication PMID: 35346344, PMCID: PMC8962531